The following is an entry in ClinVar:

NM_000789.4(ACE):c.2472G>A (p.Ser824=)

Gene: ACE (angiotensin I converting enzyme; plus strand). Cytogenetic location: 17q23.3.
Variant type: single nucleotide variant.
Coding change: c.2472G>A on transcript NM_000789.4 (MANE Select); coding-DNA position 2472, G replaced by A.
Protein change: p.Ser824=; no amino-acid change (serine 824 retained).
Molecular consequence: synonymous variant. On other transcripts: non-coding transcript variant (1), intron variant (1).
Genome position (GRCh38, 1-based): chr17:63,488,963, G>A. VCF-style: chr17-63488963-G-A. GRCh37 (hg19) VCF-style: chr17-61566324-G-A.
Other names: c.750G>A, p.Ser250= (NM_001178057.2, NM_152830.3); c.1905G>A, p.Ser635= (NM_001382700.1); c.1620G>A, p.Ser540= (NM_001382701.1); c.379+172G>A (NM_001382702.1).
Identifiers: ClinVar variation 3047746 (VCV003047746.4), dbSNP rs149528336, ClinGen allele CA8700130.

ClinVar aggregate classification (germline): Likely benign. Review status: criteria provided, single submitter (1 of 4 stars). 2 submissions from 2 submitters: Likely benign (1). 1 of the submissions does not count toward it. Last evaluated 2024-04-25.

Conditions:
ACE-related disorder. Also called: ACE-related disorders; ACE-related condition.

Allele frequency attached by ClinVar (database versions not stated): TOPMed 0.00002; gnomAD 0.00003; gnomAD exomes 0.00005; ESP Exome Variant Server 0.00008; ExAC 0.00012.
gnomAD v4.1: 86 of 1,614,032 alleles (0.0053%); highest among the groups gnomAD compares: Middle Eastern, 0.016%; no homozygotes.

Submissions (2):

Labcorp Genetics (formerly Invitae), Labcorp
Classification: Likely benign. Last evaluated: 2024-04-25. Review status: criteria provided, single submitter. Criteria: Invitae Variant Classification Sherloc (09022015). Collection method: clinical testing. Allele origin: germline.

PreventionGenetics, part of Exact Sciences
Classification: Likely benign for ACE-related condition. Last evaluated: 2021-03-23. Review status: no assertion criteria provided. Collection method: clinical testing. Allele origin: germline. Not counted in ClinVar's aggregate classification.
Comment: This variant is classified as likely benign based on ACMG/AMP sequence variant interpretation guidelines (Richards et al. 2015 PMID: 25741868, with internal and published modifications).